The following is an entry in ClinVar:

NM_005859.5(PURA):c.77C>T (p.Ser26Leu)

Gene: PURA (purine rich element binding protein A; plus strand). Cytogenetic location: 5q31.3.
Variant type: single nucleotide variant.
Coding change: c.77C>T on transcript NM_005859.5 (MANE Select); coding-DNA position 77, C replaced by T.
Protein change: p.Ser26Leu; replaces serine 26 with leucine.
Molecular consequence: missense variant.
Genome position (GRCh38, 1-based): chr5:140,114,258, C>T. VCF-style: chr5-140114258-C-T. GRCh37 (hg19) VCF-style: chr5-139493843-C-T.
Other names: short protein forms S26L.
Identifiers: ClinVar variation 1406995 (VCV001406995.8), dbSNP rs1763036339, ClinGen allele CA361489222.

ClinVar aggregate classification (germline): Uncertain significance (1 of 4 stars; one submission).

Conditions:
PURA-related severe neonatal hypotonia-seizures-encephalopathy syndrome (NEDRIHF). Also called: PURA-Related Neurodevelopmental Disorders; NEURODEVELOPMENTAL DISORDER WITH NEONATAL RESPIRATORY INSUFFICIENCY, HYPOTONIA, AND FEEDING DIFFICULTIES. Identifiers: Orphanet 438213, Orphanet 438216, MedGen C4015357, MONDO:1060108, OMIM 616158, MONDO:0018580.

gnomAD v4.1: 2 of 1,187,302 alleles (0.00017%); highest among the groups gnomAD compares: Non-Finnish European, 0.00021%; no homozygotes.

Submission:

Labcorp Genetics (formerly Invitae), Labcorp
Classification: Uncertain significance for PURA-related severe neonatal hypotonia-seizures-encephalopathy syndrome. Last evaluated: 2022-09-01. Review status: criteria provided, single submitter. Criteria: Invitae Variant Classification Sherloc (09022015). Collection method: clinical testing. Allele origin: germline.
Comment: Algorithms developed to predict the effect of missense changes on protein structure and function are either unavailable or do not agree on the potential impact of this missense change (SIFT: "Deleterious"; PolyPhen-2: "Not Available"; Align-GVGD: "Class C0"). ClinVar contains an entry for this variant (Variation ID: 1406995). This variant has not been reported in the literature in individuals affected with PURA-related conditions. The frequency data for this variant in the population databases is considered unreliable, as metrics indicate insufficient coverage at this position in the gnomAD database. This sequence change replaces serine, which is neutral and polar, with leucine, which is neutral and non-polar, at codon 26 of the PURA protein (p.Ser26Leu). In summary, the available evidence is currently insufficient to determine the role of this variant in disease. Therefore, it has been classified as a Variant of Uncertain Significance.